The following is an entry in ClinVar:

NM_014423.4(AFF4):c.2171C>G (p.Thr724Ser)

Gene: AFF4 (ALF transcription elongation factor 4; minus strand). Cytogenetic location: 5q31.1.
Variant type: single nucleotide variant.
Coding change: c.2171C>G on transcript NM_014423.4 (MANE Select); coding-DNA position 2171, C replaced by G.
Protein change: p.Thr724Ser; replaces threonine 724 with serine.
Molecular consequence: missense variant.
Genome position (GRCh38, 1-based): chr5:132,896,459, G>C on the plus strand (C>G on the coding strand, the complement: AFF4 is on the minus strand). VCF-style: chr5-132896459-G-C. GRCh37 (hg19) VCF-style: chr5-132232151-G-C.
Other names: short protein forms T724S.
Identifiers: ClinVar variation 4767575 (VCV004767575.1).

ClinVar aggregate classification (germline): Uncertain significance (1 of 4 stars; one submission).

Conditions:
Cognitive impairment - coarse facies - heart defects - obesity - pulmonary involvement - short stature - skeletal dysplasia syndrome. Also called: COGNITIVE IMPAIRMENT, COARSE FACIES, HEART DEFECTS, OBESITY, PULMONARY INVOLVEMENT, SHORT STATURE, AND SKELETAL DYSPLASIA; Chops syndrome; AFF4-Related CHOPS Syndrome. Identifiers: Orphanet 444077, MedGen C4085597, MONDO:0014609, OMIM 616368.

gnomAD v4.1: 4 of 1,614,156 alleles (0.00025%); highest among the groups gnomAD compares: South Asian, 0.0033%; no homozygotes.

Submission:

Labcorp Genetics (formerly Invitae), Labcorp
Classification: Uncertain significance for Cognitive impairment - coarse facies - heart defects - obesity - pulmonary involvement - short stature - skeletal dysplasia syndrome. Last evaluated: 2025-04-02. Review status: criteria provided, single submitter. Criteria: Invitae Variant Classification Sherloc (09022015). Collection method: clinical testing. Allele origin: germline.
Comment: This sequence change replaces threonine, which is neutral and polar, with serine, which is neutral and polar, at codon 724 of the AFF4 protein (p.Thr724Ser). This variant is present in population databases (rs762906055, gnomAD 0.003%). This variant has not been reported in the literature in individuals affected with AFF4-related conditions. Invitae Evidence Modeling of protein sequence and biophysical properties (such as structural, functional, and spatial information, amino acid conservation, physicochemical variation, residue mobility, and thermodynamic stability) indicates that this missense variant is not expected to disrupt AFF4 protein function with a negative predictive value of 80%. In summary, the available evidence is currently insufficient to determine the role of this variant in disease. Therefore, it has been classified as a Variant of Uncertain Significance.